The following is an entry in ClinVar:

ClinVar aggregate classification (germline): Uncertain significance (1 of 4 stars; one submission).

gnomAD v4.1: 1 of 1,614,092 alleles (0.000062%); highest among the groups gnomAD compares: Admixed American, 0.0017%; no homozygotes.

Submission:

Labcorp Genetics (formerly Invitae), Labcorp
Classification: Uncertain significance. Last evaluated: 2024-05-13. Review status: criteria provided, single submitter. Criteria: Invitae Variant Classification Sherloc (09022015). Collection method: clinical testing. Allele origin: germline.
Comment: This sequence change replaces serine, which is neutral and polar, with phenylalanine, which is neutral and non-polar, at codon 636 of the LRIT3 protein (p.Ser636Phe). This variant is present in population databases (no rsID available, gnomAD 0.003%). This variant has not been reported in the literature in individuals affected with LRIT3-related conditions. An algorithm developed to predict the effect of missense changes on protein structure and function (PolyPhen-2) suggests that this variant is likely to be disruptive. In summary, the available evidence is currently insufficient to determine the role of this variant in disease. Therefore, it has been classified as a Variant of Uncertain Significance.

NM_198506.5(LRIT3):c.1907C>T (p.Ser636Phe)

Gene: LRIT3 (leucine rich repeat, Ig-like and transmembrane domains 3; plus strand). Cytogenetic location: 4q25.
Variant type: single nucleotide variant.
Coding change: c.1907C>T on transcript NM_198506.5 (MANE Select); coding-DNA position 1907, C replaced by T.
Protein change: p.Ser636Phe; replaces serine 636 with phenylalanine.
Molecular consequence: missense variant.
Genome position (GRCh38, 1-based): chr4:109,870,656, C>T. VCF-style: chr4-109870656-C-T. GRCh37 (hg19) VCF-style: chr4-110791812-C-T.
Other names: short protein forms S636F.
Identifiers: ClinVar variation 3683956 (VCV003683956.2).